The following is an entry in ClinVar:

NM_000540.3(RYR1):c.11272del (p.Glu3758fs)

Gene: RYR1 (ryanodine receptor 1; plus strand). Cytogenetic location: 19q13.2.
Variant type: Deletion.
Coding change: c.11272del on transcript NM_000540.3 (MANE Select); coding-DNA position 11272, one base deleted (G; older notation c.11272delG).
Protein change: p.Glu3758fs; shifts the reading frame from glutamic acid 3758.
Molecular consequence: frameshift variant.
Genome position (GRCh38, 1-based): chr19:38,534,732, G deleted; the last of 2 consecutive G bases (chr19:38,534,731-38,534,732); deleting either gives the same sequence. VCF-style (leftmost placement, unchanged base first): chr19-38534730-TG-T. GRCh37 (hg19) VCF-style: chr19-39025370-TG-T.
Other names: c.11257del, p.Glu3753fs (NM_001042723.2); short protein forms E3753fs, E3758fs.
Identifiers: ClinVar variation 2838187 (VCV002838187.3), dbSNP rs2514526762, ClinGen allele CA2739276717.

ClinVar aggregate classification (germline): Pathogenic (1 of 4 stars; one submission).

Conditions:
RYR1-related disorder. Also called: RYR1-related condition; RYR1-related disorders. Identifiers: MedGen CN239331.

Submission:

Labcorp Genetics (formerly Invitae), Labcorp
Classification: Pathogenic for RYR1-related disorder. Last evaluated: 2023-02-16. Review status: criteria provided, single submitter. Criteria: Invitae Variant Classification Sherloc (09022015). Collection method: clinical testing. Allele origin: germline.
Comment: For these reasons, this variant has been classified as Pathogenic. This sequence change creates a premature translational stop signal (p.Glu3758Argfs*24) in the RYR1 gene. It is expected to result in an absent or disrupted protein product. Loss-of-function variants in RYR1 are known to be pathogenic (PMID: 23919265, 25960145, 28818389, 30611313). This variant is not present in population databases (gnomAD no frequency). This variant has not been reported in the literature in individuals affected with RYR1-related conditions.

Literature cited by the submitters: PubMed 23919265; PubMed 25960145; PubMed 28818389; PubMed 30611313.